The following is an entry in ClinVar:

ClinVar aggregate classification (germline): Benign (1 of 4 stars; one submission).

Conditions:
Giant axonal neuropathy 1 (GAN1). Also called: GAN-Related Neurodegeneration; GIANT AXONAL NEUROPATHY 1, AUTOSOMAL RECESSIVE. Identifiers: Orphanet 643, MedGen C1850386, MONDO:0009749, OMIM 256850.

Allele frequency attached by ClinVar (database versions not stated): gnomAD 0.00393 and 0.00415; 1000 Genomes Project 30x 0.00422; TOPMed 0.00424; 1000 Genomes Project 0.00439.

Submission:

Illumina Laboratory Services, Illumina
Classification: Benign for Giant axonal neuropathy 1. Last evaluated: 2018-01-12. Review status: criteria provided, single submitter. Criteria: ICSL Variant Classification Criteria 13 December 2019. Collection method: clinical testing. Allele origin: germline.
Comment: This variant was observed in the ICSL laboratory as part of a predisposition screen in an ostensibly healthy population. It had not been previously curated by ICSL or reported in the Human Gene Mutation Database (HGMD: prior to June 1st, 2018), and was therefore a candidate for classification through an automated scoring system. Utilizing variant allele frequency, disease prevalence and penetrance estimates, and inheritance mode, an automated score was calculated to assess if this variant is too frequent to cause the disease. Based on the score and internal cut-off values, a variant classified as benign is not then subjected to further curation. The score for this variant resulted in a classification of benign for this disease.

NM_022041.4(GAN):c.*1113G>A

Gene: GAN (gigaxonin; plus strand). Cytogenetic location: 16q23.2.
Variant type: single nucleotide variant.
Coding change: c.*1113G>A on transcript NM_022041.4 (MANE Select); 1113 bases downstream of the stop codon, G replaced by A.
Molecular consequence: 3 prime UTR variant.
Genome position (GRCh38, 1-based): chr16:81,378,709, G>A. VCF-style: chr16-81378709-G-A. GRCh37 (hg19) VCF-style: chr16-81412314-G-A.
Other names: c.*1113G>A (NM_001377486.1).
Identifiers: ClinVar variation 887185 (VCV000887185.4), dbSNP rs114880082, ClinGen allele CA285126382.
Genomic context (GRCh38, chr16:81,378,709, plus strand): 5'-TTTGTAATAGAAGTTTCCCAGTGGCATTCACTAGTGAGAGTTTTAGACAAATTATGTTAC[G>A]AGTAAAGTTTGGCTGGTAGAATAAACTACCTCAACTTAATTTCATTCTGTTCATAGTAGA-3'